The following is an entry in ClinVar:

NM_031407.7(HUWE1):c.9497G>T (p.Gly3166Val)

Gene: HUWE1 (HECT, UBA and WWE domain containing E3 ubiquitin protein ligase 1; minus strand). Cytogenetic location: Xp11.22.
Variant type: single nucleotide variant.
Coding change: c.9497G>T on transcript NM_031407.7 (MANE Select); coding-DNA position 9497, G replaced by T.
Protein change: p.Gly3166Val; replaces glycine 3166 with valine.
Molecular consequence: missense variant.
Genome position (GRCh38, 1-based): chrX:53,549,497, C>A on the plus strand (G>T on the coding strand, the complement: HUWE1 is on the minus strand). VCF-style: chrX-53549497-C-A. GRCh37 (hg19) VCF-style: chrX-53576458-C-A.
Other names: short protein forms G3166V.
Identifiers: ClinVar variation 2571881 (VCV002571881.1), dbSNP rs2061673664, ClinGen allele CA413138384.

ClinVar aggregate classification (germline): Uncertain significance (1 of 4 stars; one submission).

Allele frequency attached by ClinVar (database versions not stated): gnomAD 0.00001.
gnomAD v4.1: 1 of 1,202,859 alleles (0.000083%); highest among the groups gnomAD compares: African/African-American, 0.0018%; no homozygotes.

Submission:

GeneDx
Classification: Uncertain significance. Last evaluated: 2023-01-05. Review status: criteria provided, single submitter. Criteria: GeneDx Variant Classification Process June 2021. Collection method: clinical testing. Allele origin: germline. Affected: yes.
Comment: Not observed at significant frequency in large population cohorts (gnomAD); In silico analysis supports that this missense variant does not alter protein structure/function; Has not been previously published as pathogenic or benign to our knowledge